The following is an entry in ClinVar:

NM_018075.5(ANO10):c.*10G>A

Gene: ANO10 (anoctamin 10; minus strand). Cytogenetic location: 3p22.1.
Variant type: single nucleotide variant.
Coding change: c.*10G>A on transcript NM_018075.5 (MANE Select); 10 bases downstream of the stop codon, G replaced by A.
Molecular consequence: 3 prime UTR variant.
Genome position (GRCh38, 1-based): chr3:43,366,896, C>T on the plus strand (G>A on the coding strand, the complement: ANO10 is on the minus strand). VCF-style: chr3-43366896-C-T. GRCh37 (hg19) VCF-style: chr3-43408388-C-T.
Other names: c.*112G>A (NM_001204831.3); c.*10G>A (NM_001204832.3, NM_001204833.3, NM_001204834.3 and 7 more transcripts).
Identifiers: ClinVar variation 2684245 (VCV002684245.2), dbSNP rs377647762, ClinGen allele CA2340601.

ClinVar aggregate classification (germline): Uncertain significance (1 of 4 stars; one submission).

Allele frequency attached by ClinVar (database versions not stated): TOPMed 0.00005; gnomAD 0.00007; ExAC 0.00013; ESP Exome Variant Server 0.00015.
gnomAD v4.1: 57 of 1,579,484 alleles (0.0036%); highest among the groups gnomAD compares: Middle Eastern, 0.038%; no homozygotes.

Submission:

Athena Diagnostics
Classification: Uncertain significance. Last evaluated: 2024-11-06. Review status: criteria provided, single submitter. Criteria: Athena Diagnostics Criteria. Collection method: clinical testing. Allele origin: unknown.
Comment: Available data are insufficient to determine the clinical significance of the variant at this time. The frequency of this variant in the general population is uninformative in assessment of its pathogenicity. Computational tools yielded predictions that this variant is unlikely to have an effect on normal RNA splicing.